The following is an entry in ClinVar:

NM_000038.6(APC):c.3335_3336del (p.Thr1112fs)

Gene: APC (APC regulator of WNT signaling pathway; plus strand). Cytogenetic location: 5q22.2.
Variant type: Deletion.
Coding change: c.3335_3336del on transcript NM_000038.6 (MANE Select); coding-DNA positions 3335 to 3336, 2 bases deleted (CA; older notation c.3335_3336delCA).
Protein change: p.Thr1112fs; shifts the reading frame from threonine 1112.
Molecular consequence: frameshift variant.
Genome position (GRCh38, 1-based): chr5:112,838,929-112,838,930, CA deleted; deleting any 2 consecutive bases within chr5:112,838,928-112,838,930 gives the same sequence; the c. name uses the placement nearest the transcript's 3' end. VCF-style (leftmost placement, unchanged base first): chr5-112838927-AAC-A. GRCh37 (hg19) VCF-style: chr5-112174624-AAC-A.
Other names: c.3335_3336del, p.Thr1112fs (NM_001127510.3, NM_001354895.2); c.3281_3282del, p.Thr1094fs (NM_001127511.3); c.3389_3390del, p.Thr1130fs (NM_001354896.2); c.3365_3366del, p.Thr1122fs (NM_001354897.2); c.3260_3261del, p.Thr1087fs (NM_001354898.2); c.3251_3252del, p.Thr1084fs (NM_001354899.2); c.3212_3213del, p.Thr1071fs (NM_001354900.2); c.3158_3159del, p.Thr1053fs (NM_001354901.2); and 5 more; short protein forms T1087fs, T1094fs, T986fs, T1011fs, T1053fs, T1071fs, T1112fs, T1122fs.
Identifiers: ClinVar variation 419301 (VCV000419301.2), dbSNP rs1064793778, ClinGen allele CA16618081.

ClinVar aggregate classification (germline): Pathogenic (1 of 4 stars; one submission).

Submission:

GeneDx
Classification: Pathogenic. Last evaluated: 2015-06-25. Review status: criteria provided, single submitter. Criteria: GeneDx Variant Classification (06012015). Collection method: clinical testing. Allele origin: germline. Affected: yes.
Comment: This deletion of 2 nucleotides in APC is denoted c.3335_3336delCA at the cDNA level and p.Thr1112LysfsX6 (T1112KfsX6) at the protein level. The normal sequence, with the bases that are deleted in braces, is GAAA[CA]AATC. The deletion causes a frameshift, which changes a Threonine to a Lysine at codon 1112, and creates a premature stop codon at position 6 of the new reading frame. Although this variant has not, to our knowledge, been reported in the literature, it is predicted to cause loss of normal protein function through either protein truncation or nonsense-mediated mRNA decay. we consider this variant to be pathogenic.